The following is an entry in ClinVar:

NM_001184880.2(PCDH19):c.3272C>T (p.Ala1091Val)

Gene: PCDH19 (protocadherin 19; minus strand). Cytogenetic location: Xq22.1.
Variant type: single nucleotide variant.
Coding change: c.3272C>T on transcript NM_001184880.2 (MANE Select); coding-DNA position 3272, C replaced by T.
Protein change: p.Ala1091Val; replaces alanine 1091 with valine.
Molecular consequence: missense variant.
Genome position (GRCh38, 1-based): chrX:100,296,452, G>A on the plus strand (C>T on the coding strand, the complement: PCDH19 is on the minus strand). VCF-style: chrX-100296452-G-A. GRCh37 (hg19) VCF-style: chrX-99551450-G-A.
Other names: c.3131C>T, p.Ala1044Val (NM_001105243.2); c.3128C>T, p.Ala1043Val (NM_020766.3); short protein forms A1043V, A1091V, A1044V.
Identifiers: ClinVar variation 2074497 (VCV002074497.4), dbSNP rs2520443474, ClinGen allele CA413999672.
Genomic context (GRCh38, chrX:100,296,452, plus strand): 5'-GCTTCAGAGGGACGAGTAGGGCCATTGTTGACATTGTTGACATACTGCTCCAGATCACGG[G>A]CTGGGGGAGCCAGGGCAATGGTGTAAGACACGGAAGGCTTGGTGGGCAGAGAGCTCTTGA-3'
Protein context (NP_001171809.1, residues 1081-1101): VSYTIALAPP[Ala1091Val]RDLEQYVNNV

ClinVar aggregate classification (germline): Uncertain significance (1 of 4 stars; one submission).

Conditions:
Developmental and epileptic encephalopathy, 9 (DEE9). Also called: JUBERG-HELLMAN SYNDROME; PCDH19-Related X-Linked Female-Limited Epilepsy with Mental Retardation; Early infantile epileptic encephalopathy 9; EPILEPSY, FEMALE-RESTRICTED, WITH MENTAL RETARDATION. Identifiers: Orphanet 101039, Orphanet 2076, MedGen C1848137, MONDO:0010246, OMIM 300088. Disease mechanism: loss of function.

Allele frequency attached by ClinVar (database versions not stated): gnomAD exomes below 0.00001.
gnomAD v4.1: 1 of 1,211,504 alleles (0.000083%); highest among the groups gnomAD compares: South Asian, 0.0018%; no homozygotes.

Submission:

Labcorp Genetics (formerly Invitae), Labcorp
Classification: Uncertain significance for Developmental and epileptic encephalopathy, 9. Last evaluated: 2022-09-05. Review status: criteria provided, single submitter. Criteria: Invitae Variant Classification Sherloc (09022015). Collection method: clinical testing. Allele origin: germline.
Comment: In summary, the available evidence is currently insufficient to determine the role of this variant in disease. Therefore, it has been classified as a Variant of Uncertain Significance. Advanced modeling of protein sequence and biophysical properties (such as structural, functional, and spatial information, amino acid conservation, physicochemical variation, residue mobility, and thermodynamic stability) performed at Invitae indicates that this missense variant is not expected to disrupt PCDH19 protein function. This variant has not been reported in the literature in individuals affected with PCDH19-related conditions. This variant is not present in population databases (gnomAD no frequency). This sequence change replaces alanine, which is neutral and non-polar, with valine, which is neutral and non-polar, at codon 1091 of the PCDH19 protein (p.Ala1091Val).